The following is an entry in ClinVar:

ClinVar aggregate classification (germline): Uncertain significance. Review status: criteria provided, single submitter (1 of 4 stars). 2 submissions from 2 submitters: Uncertain significance (1). 1 of the submissions does not count toward it. Last evaluated 2023-08-24.

Conditions:
Bardet-Biedl syndrome (BBS). Identifiers: Orphanet 110, MedGen C0752166, MONDO:0015229.
Bardet-Biedl syndrome 10 (BBS10). Identifiers: Orphanet 110, MedGen C1859568, MONDO:0014438, OMIM 615987.

Allele frequency attached by ClinVar (database versions not stated): ExAC 0.00001; gnomAD exomes 0.00001.
gnomAD v4.1: 4 of 1,614,004 alleles (0.00025%); highest among the groups gnomAD compares: Non-Finnish European, 0.00025%; no homozygotes.

Submissions (2):

Labcorp Genetics (formerly Invitae), Labcorp
Classification: Uncertain significance for Bardet-Biedl syndrome. Last evaluated: 2023-08-24. Review status: criteria provided, single submitter. Criteria: Invitae Variant Classification Sherloc (09022015). Collection method: clinical testing. Allele origin: germline.
Comment: This variant is present in population databases (rs756069503, gnomAD 0.002%). In summary, the available evidence is currently insufficient to determine the role of this variant in disease. Therefore, it has been classified as a Variant of Uncertain Significance. Advanced modeling of protein sequence and biophysical properties (such as structural, functional, and spatial information, amino acid conservation, physicochemical variation, residue mobility, and thermodynamic stability) has been performed at Invitae for this missense variant, however the output from this modeling did not meet the statistical confidence thresholds required to predict the impact of this variant on BBS10 protein function. ClinVar contains an entry for this variant (Variation ID: 1021415). This variant has not been reported in the literature in individuals affected with BBS10-related conditions. This sequence change replaces glycine, which is neutral and non-polar, with aspartic acid, which is acidic and polar, at codon 683 of the BBS10 protein (p.Gly683Asp).

Natera, Inc.
Classification: Uncertain significance for Bardet-Biedl syndrome type 10. Last evaluated: 2020-10-01. Review status: no assertion criteria provided. Collection method: clinical testing. Allele origin: germline. Not counted in ClinVar's aggregate classification.

NM_024685.4(BBS10):c.2048G>A (p.Gly683Asp)

Gene: BBS10 (Bardet-Biedl syndrome 10; minus strand). Cytogenetic location: 12q21.2.
Variant type: single nucleotide variant.
Coding change: c.2048G>A on transcript NM_024685.4 (MANE Select); coding-DNA position 2048, G replaced by A.
Protein change: p.Gly683Asp; replaces glycine 683 with aspartic acid.
Molecular consequence: missense variant.
Genome position (GRCh38, 1-based): chr12:76,345,937, C>T on the plus strand (G>A on the coding strand, the complement: BBS10 is on the minus strand). VCF-style: chr12-76345937-C-T. GRCh37 (hg19) VCF-style: chr12-76739717-C-T.
Other names: short protein forms G683D.
Identifiers: ClinVar variation 1021415 (VCV001021415.7), dbSNP rs756069503, ClinGen allele CA6694055.